The following is an entry in ClinVar:

ClinVar aggregate classification (germline): Pathogenic (1 of 4 stars; one submission).

Conditions:
DNA ligase IV deficiency. Identifiers: Orphanet 99812, MedGen C1847827, MONDO:0011686, OMIM 606593.

Submission:

Labcorp Genetics (formerly Invitae), Labcorp
Classification: Pathogenic for DNA ligase IV deficiency. Last evaluated: 2026-01-23. Review status: criteria provided, single submitter. Criteria: Invitae Variant Classification Sherloc (09022015). Collection method: clinical testing. Allele origin: germline.
Comment: This sequence change creates a premature translational stop signal (p.His501Ilefs*12) in the LIG4 gene. While this is not anticipated to result in nonsense mediated decay, it is expected to disrupt the last 411 amino acid(s) of the LIG4 protein. This variant is not present in population databases (gnomAD no frequency). This variant has not been reported in the literature in individuals affected with LIG4-related conditions. This variant disrupts a region of the LIG4 protein in which other variant(s) (p.Arg814*) have been determined to be pathogenic (PMID: 11779494, 15333585, 16088910, 24123394, 24892279, 25239263, 27063650, 27612988). This suggests that this is a clinically significant region of the protein, and that variants that disrupt it are likely to be disease-causing. For these reasons, this variant has been classified as Pathogenic.

Literature cited by the submitters: PubMed 11779494; PubMed 15333585; PubMed 16088910; PubMed 24123394; PubMed 24892279; PubMed 25239263; PubMed 27063650; PubMed 27612988.

NM_206937.2(LIG4):c.1500del (p.His501fs)

Gene: LIG4 (DNA ligase 4; minus strand). Cytogenetic location: 13q33.3.
Variant type: Deletion.
Coding change: c.1500del on transcript NM_206937.2 (MANE Select); coding-DNA position 1500, one base deleted (T; older notation c.1500delT).
Protein change: p.His501fs; shifts the reading frame from histidine 501.
Molecular consequence: frameshift variant.
Genome position (GRCh38, 1-based): chr13:108,209,769, A deleted on the plus strand (T on the coding strand, the reverse complement: LIG4 is on the minus strand); the first of 3 consecutive A bases (chr13:108,209,769-108,209,771); deleting any one gives the same sequence. VCF-style (leftmost placement, unchanged base first): chr13-108209768-GA-G. GRCh37 (hg19) VCF-style: chr13-108862116-GA-G.
Other names: c.1500del, p.His501fs (NM_001098268.2, NM_001352598.2, NM_001352599.2 and 6 more transcripts); c.1299del, p.His434fs (NM_001330595.2); c.1536del, p.His513fs (NM_001352604.2); short protein forms H434fs, H501fs, H513fs.
Identifiers: ClinVar variation 4769762 (VCV004769762.1).
Genomic context (GRCh38, chr13:108,209,768, plus strand): 5'-TCAAACCCAGATCATACAGTTCTTTCATGGTGCAGCCAGACCCAACACGAGAGAGAGTAT[GA>G]AACACAGATGGCTTCTCACCAGGAGGGGGCTTCTCTGCTACTGCACACAGAAAATGAGAC-3'